The following is an entry in ClinVar:

ClinVar aggregate classification (germline): Uncertain significance (1 of 4 stars; one submission).

gnomAD v4.1: 3 of 1,613,542 alleles (0.00019%); highest among the groups gnomAD compares: Non-Finnish European, 0.00025%; no homozygotes.

Submission:

Mayo Clinic Laboratories, Mayo Clinic
Classification: Uncertain significance. Last evaluated: 2025-01-16. Review status: criteria provided, single submitter. Criteria: ACMG Guidelines, 2015. Collection method: clinical testing. Allele origin: germline. Observed: 1 variant allele.
Comment: BP4, PM2_supporting

NM_002801.4(PSMB10):c.98C>T (p.Pro33Leu)

Genes: PSMB10 (proteasome 20S subunit beta 10; minus strand), LOC130059252 (ATAC-STARR-seq lymphoblastoid active region 10995; plus strand). Cytogenetic location: 16q22.1.
Variant type: single nucleotide variant.
Coding change: c.98C>T on transcript NM_002801.4 (MANE Select); coding-DNA position 98, C replaced by T.
Protein change: p.Pro33Leu; replaces proline 33 with leucine.
Molecular consequence: missense variant.
Genome position (GRCh38, 1-based): chr16:67,936,444, G>A on the plus strand (C>T on the coding strand, the complement: PSMB10 is on the minus strand). VCF-style: chr16-67936444-G-A. GRCh37 (hg19) VCF-style: chr16-67970347-G-A.
Other names: p.Pro33Leu; short protein forms P33L.
Identifiers: ClinVar variation 4542039 (VCV004542039.1).